The following is an entry in ClinVar:

ClinVar aggregate classification (germline): Pathogenic (1 of 4 stars; one submission).

Conditions:
Global developmental delay with or without impaired intellectual development. Identifiers: MedGen C5193032, MONDO:0032680, OMIM 618330.

Submission:

MGZ Medical Genetics Center
Classification: Pathogenic for Global developmental delay with or without impaired intellectual development. Last evaluated: 2021-11-16. Review status: criteria provided, single submitter. Criteria: ACMG Guidelines, 2015. Collection method: clinical testing. Allele origin: germline. Affected: yes. Observed: 1 variant allele.
Comment: ACMG criteria applied: PVS1, PS2, PM2_SUP

NM_020791.4(TAOK1):c.2563del (p.Ala855fs)

Gene: TAOK1 (TAO kinase 1; plus strand). Cytogenetic location: 17q11.2.
Variant type: Deletion.
Coding change: c.2563del on transcript NM_020791.4 (MANE Select); coding-DNA position 2563, one base deleted (G; older notation c.2563delG).
Protein change: p.Ala855fs; shifts the reading frame from alanine 855.
Molecular consequence: frameshift variant.
Genome position (GRCh38, 1-based): chr17:29,542,579, G deleted; the last of 2 consecutive G bases (chr17:29,542,578-29,542,579); deleting either gives the same sequence. VCF-style (leftmost placement, unchanged base first): chr17-29542577-TG-T. GRCh37 (hg19) VCF-style: chr17-27869595-TG-T.
Other names: c.2119del, p.Ala707fs (NM_025142.1); short protein forms A707fs, A855fs.
Identifiers: ClinVar variation 1710010 (VCV001710010.2), dbSNP rs2508356671, ClinGen allele CA2580092753.
Genomic context (GRCh38, chr17:29,542,577, plus strand): 5'-AAAAATAATAAATTGGCTTTCATTTTTCTTCCAATCTCCAACAGATTGAAGAAGAGATGT[TG>T]GCTTTGCAGAATGAGCGCACAGAACGAATACGAAGCCTGTTGGAACGTCAAGCCAGAGAG-3'